The following is an entry in ClinVar:

NM_001040108.2(MLH3):c.4015C>T (p.Leu1339Phe)

Gene: MLH3 (mutL homolog 3; minus strand). Cytogenetic location: 14q24.3.
Variant type: single nucleotide variant.
Coding change: c.4015C>T on transcript NM_001040108.2 (MANE Select); coding-DNA position 4015, C replaced by T.
Protein change: p.Leu1339Phe; replaces leucine 1339 with phenylalanine.
Molecular consequence: missense variant.
Genome position (GRCh38, 1-based): chr14:75,022,889, G>A on the plus strand (C>T on the coding strand, the complement: MLH3 is on the minus strand). VCF-style: chr14-75022889-G-A. GRCh37 (hg19) VCF-style: chr14-75489592-G-A.
Other names: c.3943C>T, p.Leu1315Phe (NM_014381.3); short protein forms L1339F, L1315F.
Identifiers: ClinVar variation 544275 (VCV000544275.14), dbSNP rs201931206, ClinGen allele CA7275248.

ClinVar aggregate classification (germline): Conflicting classifications of pathogenicity. Review status: criteria provided, conflicting classifications (1 of 4 stars). 2 submissions from 2 submitters: Uncertain significance (1); Likely benign (1). Last evaluated 2025-11-23.

Conditions:
Colorectal cancer, hereditary nonpolyposis, type 7. Identifiers: Orphanet 144, MedGen C1858380, MONDO:0013725, OMIM 614385.

Allele frequency attached by ClinVar (database versions not stated): gnomAD 0.00001 and 0.00003; gnomAD exomes 0.00002 and 0.00006; TOPMed 0.00003; ExAC 0.00005; 1000 Genomes Project 30x 0.00016; 1000 Genomes Project 0.00020.

Submissions (2):

Labcorp Genetics (formerly Invitae), Labcorp
Classification: Uncertain significance for Colorectal cancer, hereditary nonpolyposis, type 7. Last evaluated: 2025-11-23. Review status: criteria provided, single submitter. Criteria: Invitae Variant Classification Sherloc (09022015). Collection method: clinical testing. Allele origin: germline.
Comment: This sequence change replaces leucine, which is neutral and non-polar, with phenylalanine, which is neutral and non-polar, at codon 1339 of the MLH3 protein (p.Leu1339Phe). This variant is present in population databases (rs201931206, gnomAD 0.06%), and has an allele count higher than expected for a pathogenic variant. This missense change has been observed in individual(s) with colorectal cancer and pancreatic cancer (PMID: 33294277, 36896836). ClinVar contains an entry for this variant (Variation ID: 544275). An algorithm developed to predict the effect of missense changes on protein structure and function (PolyPhen-2) suggests that this variant is likely to be disruptive. In summary, the available evidence is currently insufficient to determine the role of this variant in disease. Therefore, it has been classified as a Variant of Uncertain Significance.

Ambry Genetics
Classification: Likely benign. Last evaluated: 2021-01-22. Review status: criteria provided, single submitter. Criteria: Ambry Variant Classification Scheme 2023. Collection method: clinical testing. Allele origin: germline.

Literature cited by the submitters: PubMed 33294277 (cited by Labcorp Genetics (formerly Invitae), Labcorp); PubMed 36896836 (cited by Labcorp Genetics (formerly Invitae), Labcorp).